The following is an entry in ClinVar:

ClinVar aggregate classification (germline): Conflicting classifications of pathogenicity. Review status: criteria provided, conflicting classifications (1 of 4 stars). 4 submissions from 4 submitters: Uncertain significance (1); Likely benign (2). 1 of the submissions does not count toward it. Last evaluated 2025-11-27.

Conditions:
DNMT3B-related disorder. Also called: DNMT3B-related condition.
Centromeric instability of chromosomes 1,9 and 16 and immunodeficiency (ICF1). Also called: IMMUNE DEFICIENCY, VARIABLE, WITH CENTROMERIC INSTABILITY OF CHROMOSOMES 1, 9, AND 16; IMMUNODEFICIENCY SYNDROME, VARIABLE; CENTROMERIC INSTABILITY, IMMUNODEFICIENCY SYNDROME; Immunodeficiency-centromeric instability-facial anomalies. Identifiers: Orphanet 2268, MedGen C0398788, MONDO:0000133.
Immunodeficiency-centromeric instability-facial anomalies syndrome 1 (ICF1). Identifiers: Orphanet 2268, MedGen C4551557, MONDO:0009454, OMIM 242860.

Allele frequency attached by ClinVar (database versions not stated): gnomAD exomes 0.00004 and 0.00007; gnomAD 0.00005 and 0.00006; TOPMed 0.00005; ExAC 0.00007; ESP Exome Variant Server 0.00008; 1000 Genomes Project 0.00040; 1000 Genomes Project 30x 0.00047.
gnomAD v4.1: 72 of 1,614,040 alleles (0.0045%); highest among the groups gnomAD compares: Admixed American, 0.012%; no homozygotes.

Submissions (4):

Labcorp Genetics (formerly Invitae), Labcorp
Classification: Likely benign for Centromeric instability of chromosomes 1,9 and 16 and immunodeficiency. Last evaluated: 2025-11-27. Review status: criteria provided, single submitter. Criteria: Invitae Variant Classification Sherloc (09022015). Collection method: clinical testing. Allele origin: germline.

Blueprint Genetics
Classification: Likely benign. Last evaluated: 2024-11-04. Review status: criteria provided, single submitter. Criteria: ACMG Guidelines, 2015. Collection method: clinical testing. Allele origin: germline.

Illumina Laboratory Services, Illumina
Classification: Uncertain significance for Immunodeficiency-centromeric instability-facial anomalies syndrome 1. Last evaluated: 2018-01-12. Review status: criteria provided, single submitter. Criteria: ICSL Variant Classification Criteria 13 December 2019. Collection method: clinical testing. Allele origin: germline.

PreventionGenetics, part of Exact Sciences
Classification: Likely benign for DNMT3B-related condition. Last evaluated: 2019-06-27. Review status: no assertion criteria provided. Collection method: clinical testing. Allele origin: germline. Not counted in ClinVar's aggregate classification.
Comment: This variant is classified as likely benign based on ACMG/AMP sequence variant interpretation guidelines (Richards et al. 2015 PMID: 25741868, with internal and published modifications).

NM_006892.4(DNMT3B):c.1297+10T>C

Gene: DNMT3B (DNA methyltransferase 3 beta; plus strand). Cytogenetic location: 20q11.21.
Variant type: single nucleotide variant.
Coding change: c.1297+10T>C on transcript NM_006892.4 (MANE Select); 10 bases into the intron after coding-DNA position 1297, T replaced by C.
Molecular consequence: intron variant.
Genome position (GRCh38, 1-based): chr20:32,795,704, T>C. VCF-style: chr20-32795704-T-C. GRCh37 (hg19) VCF-style: chr20-31383510-T-C.
Other names: c.1237+10T>C (NM_175848.2, NM_175849.2); c.1111+10T>C (NM_001207055.2); c.1009+10T>C (NM_001207056.2); c.1273+10T>C (NM_175850.3).
Identifiers: ClinVar variation 338166 (VCV000338166.16), dbSNP rs146299831, ClinGen allele CA9810505.
Genomic context (GRCh38, chr20:32,795,704, plus strand): 5'-CAATAGAACAAATGGCTTCAGATGTTGCCAACAACAAGAGCAGCCTGGAAGGTAACGTTC[T>C]CTCCCTCCCAGTCATCCCCCTCACACCCTGGCTAGGGCTCTAGGCCTGCCTTGTCCTGGC-3'